The following is an entry in ClinVar:

NM_001430.5(EPAS1):c.983A>T (p.Asn328Ile)

Gene: EPAS1 (endothelial PAS domain protein 1; plus strand). Cytogenetic location: 2p21.
Variant type: single nucleotide variant.
Coding change: c.983A>T on transcript NM_001430.5 (MANE Select); coding-DNA position 983, A replaced by T.
Protein change: p.Asn328Ile; replaces asparagine 328 with isoleucine.
Molecular consequence: missense variant.
Genome position (GRCh38, 1-based): chr2:46,375,786, A>T. VCF-style: chr2-46375786-A-T. GRCh37 (hg19) VCF-style: chr2-46602925-A-T.
Other names: short protein forms N328I.
Identifiers: ClinVar variation 1768356 (VCV001768356.2), dbSNP rs756916057, ClinGen allele CA346702902.

ClinVar aggregate classification (germline): Uncertain significance (1 of 4 stars; one submission).

Conditions:
Inborn genetic diseases. Identifiers: MedGen C0950123, MeSH D030342.

Submission:

Ambry Genetics
Classification: Uncertain significance for Inborn genetic diseases. Last evaluated: 2022-04-07. Review status: criteria provided, single submitter. Criteria: Ambry Variant Classification Scheme 2023. Collection method: clinical testing. Allele origin: germline.
Comment: The p.N328I variant (also known as c.983A>T), located in coding exon 8 of the EPAS1 gene, results from an A to T substitution at nucleotide position 983. The asparagine at codon 328 is replaced by isoleucine, an amino acid with dissimilar properties. This amino acid position is conserved. In addition, the in silico prediction for this alteration is inconclusive. Since supporting evidence is limited at this time, the clinical significance of this alteration remains unclear.